The following is an entry in ClinVar:

NM_019109.5(ALG1):c.786del (p.Glu262fs)

Gene: ALG1 (ALG1 chitobiosyldiphosphodolichol beta-mannosyltransferase; plus strand). Cytogenetic location: 16p13.3.
Variant type: Deletion.
Coding change: c.786del on transcript NM_019109.5 (MANE Select); coding-DNA position 786, one base deleted (G; older notation c.786delG).
Protein change: p.Glu262fs; shifts the reading frame from glutamic acid 262.
Molecular consequence: frameshift variant.
Genome position (GRCh38, 1-based): chr16:5,078,802, G deleted. VCF-style (leftmost placement, unchanged base first): chr16-5078801-AG-A. GRCh37 (hg19) VCF-style: chr16-5128802-AG-A.
Other names: c.453del, p.Glu151fs (NM_001330504.2); short protein forms E262fs, E151fs.
Identifiers: ClinVar variation 2840152 (VCV002840152.3), dbSNP rs2505862556, ClinGen allele CA2739266550.

ClinVar aggregate classification (germline): Pathogenic (1 of 4 stars; one submission).

Conditions:
ALG1-congenital disorder of glycosylation. Also called: ALG1-CDG; CONGENITAL DISORDER OF GLYCOSYLATION, TYPE Ik; CDG Ik. Identifiers: Orphanet 79327, MedGen C2931005, MONDO:0012052, OMIM 608540.

Submission:

Labcorp Genetics (formerly Invitae), Labcorp
Classification: Pathogenic for ALG1-congenital disorder of glycosylation. Last evaluated: 2023-02-23. Review status: criteria provided, single submitter. Criteria: Invitae Variant Classification Sherloc (09022015). Collection method: clinical testing. Allele origin: germline.
Comment: For these reasons, this variant has been classified as Pathogenic. This variant has not been reported in the literature in individuals affected with ALG1-related conditions. This variant is not present in population databases (gnomAD no frequency). This sequence change creates a premature translational stop signal (p.Glu262Aspfs*9) in the ALG1 gene. It is expected to result in an absent or disrupted protein product. Loss-of-function variants in ALG1 are known to be pathogenic (PMID: 20679665, 23806237).

Literature cited by the submitters: PubMed 20679665; PubMed 23806237.